The following is an entry in ClinVar:

ClinVar aggregate classification (germline): Uncertain significance (1 of 4 stars; one submission).

Conditions:
Fanconi anemia (FA). Also called: Fanconi's anemia. Identifiers: Orphanet 84, MedGen C0015625, MeSH D005199, MONDO:0019391.

Submission:

Labcorp Genetics (formerly Invitae), Labcorp
Classification: Uncertain significance for Fanconi anemia. Last evaluated: 2022-01-24. Review status: criteria provided, single submitter. Criteria: Invitae Variant Classification Sherloc (09022015). Collection method: clinical testing. Allele origin: germline.
Comment: Advanced modeling of protein sequence and biophysical properties (such as structural, functional, and spatial information, amino acid conservation, physicochemical variation, residue mobility, and thermodynamic stability) performed at Invitae indicates that this missense variant is not expected to disrupt FANCA protein function. This variant has not been reported in the literature in individuals affected with FANCA-related conditions. This variant is not present in population databases (gnomAD no frequency). This sequence change replaces histidine, which is basic and polar, with leucine, which is neutral and non-polar, at codon 962 of the FANCA protein (p.His962Leu). In summary, the available evidence is currently insufficient to determine the role of this variant in disease. Therefore, it has been classified as a Variant of Uncertain Significance.

NM_000135.4(FANCA):c.2885A>T (p.His962Leu)

Gene: FANCA (FA complementation group A; minus strand). Cytogenetic location: 16q24.3.
Variant type: single nucleotide variant.
Coding change: c.2885A>T on transcript NM_000135.4 (MANE Select); coding-DNA position 2885, A replaced by T.
Protein change: p.His962Leu; replaces histidine 962 with leucine.
Molecular consequence: missense variant.
Genome position (GRCh38, 1-based): chr16:89,758,673, T>A on the plus strand (A>T on the coding strand, the complement: FANCA is on the minus strand). VCF-style: chr16-89758673-T-A. GRCh37 (hg19) VCF-style: chr16-89825081-T-A.
Other names: c.2885A>T, p.His962Leu (NM_001286167.3); short protein forms H962L.
Identifiers: ClinVar variation 2420671 (VCV002420671.6), dbSNP rs2544156950, ClinGen allele CA397431453.